The following is an entry in ClinVar:

NM_013296.5(GPSM2):c.1718G>A (p.Arg573His)

Gene: GPSM2 (G protein signaling modulator 2; plus strand). Cytogenetic location: 1p13.3.
Variant type: single nucleotide variant.
Coding change: c.1718G>A on transcript NM_013296.5 (MANE Select); coding-DNA position 1718, G replaced by A.
Protein change: p.Arg573His; replaces arginine 573 with histidine.
Molecular consequence: missense variant.
Genome position (GRCh38, 1-based): chr1:108,924,117, G>A. VCF-style: chr1-108924117-G-A. GRCh37 (hg19) VCF-style: chr1-109466739-G-A.
Other names: c.1718G>A, p.Arg573His (NM_001321038.2, NM_001321039.3); short protein forms R573H.
Identifiers: ClinVar variation 1365343 (VCV001365343.6), dbSNP rs1230215742, ClinGen allele CA341451543.
Genomic context (GRCh38, chr1:108,924,117, plus strand): 5'-GCTCACAGAGTCGCCGTCTGGATGACCAGAGGGCTAGTTTCAGTAATTTGCCAGGGCTTC[G>A]TCTAACACAAAACAGCCAGTCGGTACTTAGCCACCTGATGACTAATGACAACAAAGAGGC-3'
Protein context (NP_037428.3, residues 563-583): RASFSNLPGL[Arg573His]LTQNSQSVLS

ClinVar aggregate classification (germline): Uncertain significance. Review status: criteria provided, multiple submitters, no conflicts (2 of 4 stars). 2 submissions from 2 submitters: Uncertain significance (2). Last evaluated 2025-07-07.

Allele frequency attached by ClinVar (database versions not stated): TOPMed below 0.00001; gnomAD 0.00002.
gnomAD v4.1: 11 of 1,613,606 alleles (0.00068%); highest among the groups gnomAD compares: East Asian, 0.0045%; no homozygotes.

Submissions (2):

Labcorp Genetics (formerly Invitae), Labcorp
Classification: Uncertain significance. Last evaluated: 2025-07-07. Review status: criteria provided, single submitter. Criteria: Invitae Variant Classification Sherloc (09022015). Collection method: clinical testing. Allele origin: germline.
Comment: This sequence change replaces arginine, which is basic and polar, with histidine, which is basic and polar, at codon 573 of the GPSM2 protein (p.Arg573His). This variant is present in population databases (no rsID available, gnomAD 0.01%). This variant has not been reported in the literature in individuals affected with GPSM2-related conditions. ClinVar contains an entry for this variant (Variation ID: 1365343). Invitae Evidence Modeling of protein sequence and biophysical properties (such as structural, functional, and spatial information, amino acid conservation, physicochemical variation, residue mobility, and thermodynamic stability) indicates that this missense variant is not expected to disrupt GPSM2 protein function with a negative predictive value of 80%. In summary, the available evidence is currently insufficient to determine the role of this variant in disease. Therefore, it has been classified as a Variant of Uncertain Significance.

Blueprint Genetics
Classification: Uncertain significance. Last evaluated: 2023-12-11. Review status: criteria provided, single submitter. Criteria: ACMG Guidelines, 2015. Collection method: clinical testing. Allele origin: germline.